The following is an entry in ClinVar:

ClinVar aggregate classification (germline): Benign/Likely benign. Review status: criteria provided, multiple submitters, no conflicts (2 of 4 stars). 7 submissions from 7 submitters: Benign (2); Likely benign (4). 1 of the submissions does not count toward it. Last evaluated 2026-01-28.

Conditions:
SCN2A-related disorder. Also called: SCN2A-related condition; SCN2A-related disorders. Identifiers: MedGen CN382226, MONDO:1060245.
Inborn genetic diseases. Identifiers: MedGen C0950123, MeSH D030342.
Seizures, benign familial infantile, 3 (BFIS3). Also called: Familial neonatal seizures; CONVULSIONS, BENIGN FAMILIAL INFANTILE, 3. Identifiers: Orphanet 140927, Orphanet 306, MedGen C1843140, MONDO:0011904, OMIM 607745.
Developmental and epileptic encephalopathy, 11 (DEE11). Also called: Early infantile epileptic encephalopathy 11. Identifiers: Orphanet 1934, MedGen C3150987, MONDO:0013388, OMIM 613721.

Allele frequency attached by ClinVar (database versions not stated): gnomAD 0.00010; TOPMed 0.00044; 1000 Genomes Project 30x 0.00047; ESP Exome Variant Server 0.00054; 1000 Genomes Project 0.00060.
gnomAD v4.1: 145 of 1,613,900 alleles (0.009%); highest among the groups gnomAD compares: African/African-American, 0.1%; 1 homozygote.

Submissions (7):

Labcorp Genetics (formerly Invitae), Labcorp
Classification: Benign for Seizures, benign familial infantile, 3; Developmental and epileptic encephalopathy, 11. Last evaluated: 2026-01-28. Review status: criteria provided, single submitter. Criteria: Invitae Variant Classification Sherloc (09022015). Collection method: clinical testing. Allele origin: germline.

CeGaT Center for Human Genetics Tuebingen
Classification: Likely benign. Last evaluated: 2025-01-01. Review status: criteria provided, single submitter. Criteria: CeGaT Center For Human Genetics Tuebingen Variant Classification Criteria Version 2. Collection method: clinical testing. Allele origin: germline. Affected: yes. Observed: 1 variant allele.
Comment: SCN2A: BP4, BP7

Blueprint Genetics
Classification: Likely benign. Last evaluated: 2023-10-17. Review status: criteria provided, single submitter. Criteria: ACMG Guidelines, 2015. Collection method: clinical testing. Allele origin: germline.

GeneDx
Classification: Likely benign. Last evaluated: 2020-10-01. Review status: criteria provided, single submitter. Criteria: GeneDx Variant Classification Process June 2021. Collection method: clinical testing. Allele origin: germline. Affected: yes.

Ambry Genetics
Classification: Likely benign for Inborn genetic diseases. Last evaluated: 2019-10-23. Review status: criteria provided, single submitter. Criteria: Ambry Variant Classification Scheme 2023. Collection method: clinical testing. Allele origin: germline.

Illumina Laboratory Services, Illumina
Classification: Benign for Seizures, benign familial infantile, 3. Last evaluated: 2018-01-13. Review status: criteria provided, single submitter. Criteria: ICSL Variant Classification Criteria 13 December 2019. Collection method: clinical testing. Allele origin: germline.
Comment: This variant was observed in the ICSL laboratory as part of a predisposition screen in an ostensibly healthy population. It had not been previously curated by ICSL or reported in the Human Gene Mutation Database (HGMD: prior to June 1st, 2018), and was therefore a candidate for classification through an automated scoring system. Utilizing variant allele frequency, disease prevalence and penetrance estimates, and inheritance mode, an automated score was calculated to assess if this variant is too frequent to cause the disease. Based on the score and internal cut-off values, a variant classified as benign is not then subjected to further curation. The score for this variant resulted in a classification of benign for this disease.

PreventionGenetics, part of Exact Sciences
Classification: Likely benign for SCN2A-related condition. Last evaluated: 2020-02-03. Review status: no assertion criteria provided. Collection method: clinical testing. Allele origin: germline. Not counted in ClinVar's aggregate classification.
Comment: This variant is classified as likely benign based on ACMG/AMP sequence variant interpretation guidelines (Richards et al. 2015 PMID: 25741868, with internal and published modifications).

NM_001040142.2(SCN2A):c.3123G>A (p.Pro1041=)

Gene: SCN2A (sodium voltage-gated channel alpha subunit 2; plus strand). Cytogenetic location: 2q24.3.
Variant type: single nucleotide variant.
Coding change: c.3123G>A on transcript NM_001040142.2 (MANE Select); coding-DNA position 3123, G replaced by A.
Protein change: p.Pro1041=; no amino-acid change (proline 1041 retained).
Molecular consequence: synonymous variant.
Genome position (GRCh38, 1-based): chr2:165,354,395, G>A. VCF-style: chr2-165354395-G-A. GRCh37 (hg19) VCF-style: chr2-166210905-G-A.
Other names: c.3123G>A, p.Pro1041= (NM_001040143.2, NM_001371246.1, NM_001371247.1 and 1 more transcripts).
Identifiers: ClinVar variation 331731 (VCV000331731.36), dbSNP rs147576541, ClinGen allele CA1940061.